The following is an entry in ClinVar:

ClinVar aggregate classification (germline): Uncertain significance (0 of 4 stars; one submission).

Conditions:
CACNA2D2-related disorder. Also called: CACNA2D2-related condition.

Allele frequency attached by ClinVar (database versions not stated): ExAC 0.00001.

Submission:

PreventionGenetics, part of Exact Sciences
Classification: Uncertain significance for CACNA2D2-related condition. Last evaluated: 2024-07-19. Review status: no assertion criteria provided. Collection method: clinical testing. Allele origin: germline.
Comment: The CACNA2D2 c.2402-6C>T variant is predicted to interfere with splicing. To our knowledge, this variant has not been reported in the literature. This variant is reported in 0.0055% of alleles in individuals of East Asian descent in gnomAD. At this time, the clinical significance of this variant is uncertain due to the absence of conclusive functional and genetic evidence.

NM_006030.4(CACNA2D2):c.2402-6C>T

Genes: CACNA2D2 (calcium voltage-gated channel auxiliary subunit alpha2delta 2; minus strand), LOC101928965 (uncharacterized LOC101928965; plus strand), LOC127898564 (CYB561D2-LOC101928965; plus strand). Cytogenetic location: 3p21.31.
Variant type: single nucleotide variant.
Coding change: c.2402-6C>T on transcript NM_006030.4 (MANE Select); 6 bases into the intron before coding-DNA position 2402, C replaced by T.
Molecular consequence: intron variant.
Genome position (GRCh38, 1-based): chr3:50,367,115, G>A on the plus strand (C>T on the coding strand, the complement: CACNA2D2 is on the minus strand). VCF-style: chr3-50367115-G-A. GRCh37 (hg19) VCF-style: chr3-50404546-G-A.
Other names: c.2195-6C>T (NM_001291101.1); c.2402-6C>T (NM_001005505.3, NM_001410768.1); c.2423-6C>T (NM_001174051.3).
Identifiers: ClinVar variation 2633220 (VCV002633220.2), dbSNP rs765130544, ClinGen allele CA2418481.